The following is an entry in ClinVar:

ClinVar aggregate classification (germline): Uncertain significance. Review status: criteria provided, multiple submitters, no conflicts (2 of 4 stars). 4 submissions from 4 submitters: Uncertain significance (4). Last evaluated 2025-05-15.

Conditions:
Charcot-Marie-Tooth disease. Also called: Charcot-Marie-Tooth Hereditary Neuropathy; Charcot-Marie-Tooth Neuropathy. Identifiers: Orphanet 166, MedGen C0007959, MONDO:0015626.
Charcot-Marie-Tooth disease type 2. Also called: Charcot-Marie-Tooth type 2. Identifiers: Orphanet 64746, MedGen C0270914, MONDO:0018993.

Allele frequency attached by ClinVar (database versions not stated): TOPMed 0.00002; gnomAD 0.00003 and 0.00004; gnomAD exomes 0.00002.
gnomAD v4.1: 18 of 1,614,054 alleles (0.0011%); highest among the groups gnomAD compares: Admixed American, 0.0017%; no homozygotes.

Submissions (4):

Ambry Genetics
Classification: Uncertain significance. Last evaluated: 2025-05-15. Review status: criteria provided, single submitter. Criteria: Ambry Variant Classification Scheme 2023. Collection method: clinical testing. Allele origin: germline.
Comment: The c.3121+3A>C intronic variant results from an A to C substitution 3 nucleotides after coding exon 27 in the KIF1B gene. This nucleotide position is poorly conserved in available vertebrate species. In silico splice site analysis predicts that this alteration will weaken the native splice donor site. The evidence for this gene-disease relationship is limited; therefore, the clinical significance of this alteration is unclear.

Labcorp Genetics (formerly Invitae), Labcorp
Classification: Uncertain significance for Charcot-Marie-Tooth disease type 2. Last evaluated: 2025-04-11. Review status: criteria provided, single submitter. Criteria: Invitae Variant Classification Sherloc (09022015). Collection method: clinical testing. Allele origin: germline.
Comment: This sequence change falls in intron 28 of the KIF1B gene. It does not directly change the encoded amino acid sequence of the KIF1B protein. It affects a nucleotide within the consensus splice site. This variant is present in population databases (no rsID available, gnomAD 0.005%). This variant has been observed in individual(s) with clinical features of Charcot-Marie-Tooth disease (PMID: 32376792). ClinVar contains an entry for this variant (Variation ID: 917103). Variants that disrupt the consensus splice site are a relatively common cause of aberrant splicing (PMID: 17576681, 9536098). Algorithms developed to predict the effect of sequence changes on RNA splicing suggest that this variant may disrupt the consensus splice site. In summary, the available evidence is currently insufficient to determine the role of this variant in disease. Therefore, it has been classified as a Variant of Uncertain Significance.

Women's Health and Genetics/Laboratory Corporation of America, LabCorp
Classification: Uncertain significance. Last evaluated: 2024-01-18. Review status: criteria provided, single submitter. Criteria: LabCorp Variant Classification Summary - May 2015. Collection method: clinical testing. Allele origin: germline.
Comment: Variant summary: KIF1B c.3121+3A>C alters a non-conserved nucleotide located close to a canonical splice site and therefore could affect mRNA splicing, leading to a significantly altered protein sequence. Several computational tools predict a significant impact on normal splicing: Four predict the variant abolishes a canonical 5' splicing donor site. However, these predictions have yet to be confirmed by functional studies. The variant allele was found at a frequency of 1.1e-05 in 1614054 control chromosomes (gnomAD). c.3121+3A>C has been reported in the literature in at-least one individual suspected of Charcot-Marie-Tooth disease (example: Volodarsky_2021). This report does not provide unequivocal conclusions about association of the variant with KIF1B-Related Disorders. To our knowledge, no experimental evidence demonstrating an impact on protein function has been reported. The following publication has been ascertained in the context of this evaluation (PMID: 32376792). ClinVar contains an entry for this variant (Variation ID: 917103). Based on the evidence outlined above, the variant was classified as uncertain significance.

Molecular Genetics Laboratory, London Health Sciences Centre
Classification: Uncertain significance for Charcot-Marie-Tooth disease. Review status: criteria provided, single submitter. Criteria: ACMG Guidelines, 2015. Collection method: clinical testing. Allele origin: germline. Affected: yes.

Literature cited by the submitters: PubMed 32376792 (cited by Labcorp Genetics (formerly Invitae), Labcorp and Women's Health and Genetics/Laboratory Corporation of America, LabCorp); PubMed 17576681 (cited by Labcorp Genetics (formerly Invitae), Labcorp); PubMed 9536098 (cited by Labcorp Genetics (formerly Invitae), Labcorp).

NM_001365951.3(KIF1B):c.3259+3A>C

Gene: KIF1B (kinesin family member 1B; plus strand). Cytogenetic location: 1p36.22.
Variant type: single nucleotide variant.
Coding change: c.3259+3A>C on transcript NM_001365951.3 (MANE Select); 3 bases into the intron after coding-DNA position 3259, A replaced by C.
Molecular consequence: intron variant.
Genome position (GRCh38, 1-based): chr1:10,337,206, A>C. VCF-style: chr1-10337206-A-C. GRCh37 (hg19) VCF-style: chr1-10397264-A-C.
Other names: c.3121+3A>C (NM_015074.3); c.3259+3A>C (NM_001365952.1).
Identifiers: ClinVar variation 917103 (VCV000917103.12), dbSNP rs1388178227, ClinGen allele CA521150205.